The following is an entry in ClinVar:

NM_001032386.2(SUOX):c.721C>T (p.Gln241Ter)

Gene: SUOX (sulfite oxidase; plus strand). Cytogenetic location: 12q13.2.
Variant type: single nucleotide variant.
Coding change: c.721C>T on transcript NM_001032386.2 (MANE Select); coding-DNA position 721, C replaced by T.
Protein change: p.Gln241Ter; replaces glutamine 241 with a stop codon.
Molecular consequence: nonsense.
Genome position (GRCh38, 1-based): chr12:56,004,110, C>T. VCF-style: chr12-56004110-C-T. GRCh37 (hg19) VCF-style: chr12-56397894-C-T.
Other names: c.721C>T, p.Gln241Ter (NM_000456.3, NM_001032387.2); short protein forms Q241*.
Identifiers: ClinVar variation 4725116 (VCV004725116.1).

ClinVar aggregate classification (germline): Pathogenic (1 of 4 stars; one submission).

Conditions:
Sulfite oxidase deficiency. Also called: Isolated sulfite oxidase deficiency. Identifiers: Orphanet 833, Orphanet 99731, MedGen C0268624, MONDO:0010089, OMIM 272300, HP:0003643.

Submission:

Labcorp Genetics (formerly Invitae), Labcorp
Classification: Pathogenic for Sulfite oxidase deficiency. Last evaluated: 2025-08-15. Review status: criteria provided, single submitter. Criteria: Invitae Variant Classification Sherloc (09022015). Collection method: clinical testing. Allele origin: germline.
Comment: This sequence change creates a premature translational stop signal (p.Gln241*) in the SUOX gene. While this is not anticipated to result in nonsense mediated decay, it is expected to disrupt the last 305 amino acid(s) of the SUOX protein. This variant is not present in population databases (gnomAD no frequency). This variant has not been reported in the literature in individuals affected with SUOX-related conditions. This variant disrupts a region of the SUOX protein in which other variant(s) (p.Arg529*) have been determined to be pathogenic (PMID: 17940249, 28980090). This suggests that this is a clinically significant region of the protein, and that variants that disrupt it are likely to be disease-causing. For these reasons, this variant has been classified as Pathogenic.

Literature cited by the submitters: PubMed 17940249; PubMed 28980090.